The following is an entry in ClinVar:

ClinVar aggregate classification (germline): Benign (1 of 4 stars; one submission).

gnomAD v4.1: 15,965 of 1,607,698 alleles (0.99%); highest among the groups gnomAD compares: Non-Finnish European, 1.1%; 117 homozygotes.

Submission:

CeGaT Center for Human Genetics Tuebingen
Classification: Benign. Last evaluated: 2026-05-01. Review status: criteria provided, single submitter. Criteria: CeGaT Center For Human Genetics Tuebingen Variant Classification Criteria Version 2. Collection method: clinical testing. Allele origin: germline. Affected: yes. Observed: 20 variant alleles.
Comment: FPGS: BP4, BS1, BS2

NM_004957.6(FPGS):c.1396C>T (p.Arg466Cys)

Gene: FPGS (folylpolyglutamate synthase; plus strand). Cytogenetic location: 9q34.11.
Variant type: single nucleotide variant.
Coding change: c.1396C>T on transcript NM_004957.6 (MANE Select); coding-DNA position 1396, C replaced by T.
Protein change: p.Arg466Cys; replaces arginine 466 with cysteine.
Molecular consequence: missense variant. On other transcripts: non-coding transcript variant (1).
Genome position (GRCh38, 1-based): chr9:127,813,236, C>T. VCF-style: chr9-127813236-C-T. GRCh37 (hg19) VCF-style: chr9-130575515-C-T.
Other names: c.1246C>T, p.Arg416Cys (NM_001018078.2); c.1318C>T, p.Arg440Cys (NM_001288803.1); short protein forms R416C, R440C, R466C.
Identifiers: ClinVar variation 3341528 (VCV003341528.16).
Genomic context (GRCh38, chr9:127,813,236, plus strand): 5'-CTTTCTCTGTGCCCCACAGACCAACAGAACTTCACAGTGACACTGGACCAGGTCCTGCTC[C>T]GCTGCCTGGAACACCAGCAGCACTGGAACCACCTGGACGAAGAGCAGGCCAGCCCGGACC-3'
Protein context (NP_004948.4, residues 456-476): FTVTLDQVLL[Arg466Cys]CLEHQQHWNH